The following is an entry in ClinVar:

NM_001164508.2(NEB):c.5161G>A (p.Glu1721Lys)

Gene: NEB (nebulin; minus strand). Cytogenetic location: 2q23.3.
Variant type: single nucleotide variant.
Coding change: c.5161G>A on transcript NM_001164508.2 (MANE Select); coding-DNA position 5161, G replaced by A.
Protein change: p.Glu1721Lys; replaces glutamic acid 1721 with lysine.
Molecular consequence: missense variant.
Genome position (GRCh38, 1-based): chr2:151,665,410, C>T on the plus strand (G>A on the coding strand, the complement: NEB is on the minus strand). VCF-style: chr2-151665410-C-T. GRCh37 (hg19) VCF-style: chr2-152521924-C-T.
Other names: c.5161G>A, p.Glu1721Lys (NM_001164507.2, NM_001271208.2, NM_004543.5); short protein forms E1721K.
Identifiers: ClinVar variation 1307434 (VCV001307434.6), dbSNP rs750732565, ClinGen allele CA1910440.
Genomic context (GRCh38, chr2:151,665,410, plus strand): 5'-TGTTACTCTTGTTAAGTGCCTGTTCCATTGTGTCCATGGCGTAAGTGAACTTCAGCTTCT[C>T]GGGGTGCTGGCGATACTTCTTCTCACTAAGAATCTCTCCTGCTTTCTTTGCCTTCTCCAC-3'
Protein context (NP_001157980.2, residues 1711-1731): LSEKKYRQHP[Glu1721Lys]KLKFTYAMDT

ClinVar aggregate classification (germline): Conflicting classifications of pathogenicity. Review status: criteria provided, conflicting classifications (1 of 4 stars). 2 submissions from 2 submitters: Uncertain significance (1); Likely benign (1). Last evaluated 2026-01-14.

Conditions:
Nemaline myopathy 2 (NEM2). Also called: Nemaline myopathy 2, autosomal recessive. Identifiers: MedGen C1850569, MONDO:0009725, OMIM 256030.

Allele frequency attached by ClinVar (database versions not stated): gnomAD exomes 0.00001 and 0.00002; ExAC 0.00002; TOPMed 0.00003; gnomAD 0.00004.

Submissions (2):

Labcorp Genetics (formerly Invitae), Labcorp
Classification: Likely benign for Nemaline myopathy 2. Last evaluated: 2026-01-14. Review status: criteria provided, single submitter. Criteria: Invitae Variant Classification Sherloc (09022015). Collection method: clinical testing. Allele origin: germline.

GeneDx
Classification: Uncertain significance. Last evaluated: 2019-07-30. Review status: criteria provided, single submitter. Criteria: GeneDx Variant Classification Process June 2021. Collection method: clinical testing. Allele origin: germline. Affected: yes.
Comment: Not observed at a significant frequency in large population cohorts (Lek et al., 2016); In silico analysis, which includes protein predictors and evolutionary conservation, supports that this variant does not alter protein structure/function; Has not been previously published as pathogenic or benign to our knowledge